The following is an entry in ClinVar:

NM_014391.2(ANKRD1):c.-145T>C

Gene: ANKRD1 (ankyrin repeat domain 1; minus strand). Cytogenetic location: 10q23.31.
Variant type: single nucleotide variant.
Coding change: c.-145T>C on transcript NM_014391.2; 145 bases upstream of the start codon, T replaced by C.
Genome position (GRCh38, 1-based): chr10:90,921,172, A>G on the plus strand (T>C on the coding strand, the complement: ANKRD1 is on the minus strand). VCF-style: chr10-90921172-A-G. GRCh37 (hg19) VCF-style: chr10-92680929-A-G.
Identifiers: ClinVar variation 301613 (VCV000301613.9), dbSNP rs10881855, ClinGen allele CA10636897.

ClinVar aggregate classification (germline): Benign. Review status: criteria provided, multiple submitters, no conflicts (2 of 4 stars). 3 submissions from 3 submitters: Benign (3). Last evaluated 2018-06-14.

Conditions:
Primary dilated cardiomyopathy (DCM). Also called: Dilated Cardiomyopathy. Identifiers: Orphanet 217604, MedGen C0007193, MeSH D002311, MONDO:0005021, HP:0001644. Inheritance: Various modes of inheritance.

Allele frequency attached by ClinVar (database versions not stated): 1000 Genomes Project 0.66234; gnomAD 0.67382 and 0.67456; TOPMed 0.67711; 1000 Genomes Project 30x 0.66583.

Submissions (3):

GeneDx
Classification: Benign. Last evaluated: 2018-06-14. Review status: criteria provided, single submitter. Criteria: GeneDx Variant Classification (06012015). Collection method: clinical testing. Allele origin: germline. Affected: yes.
Comment: This variant is considered likely benign or benign based on one or more of the following criteria: it is a conservative change, it occurs at a poorly conserved position in the protein, it is predicted to be benign by multiple in silico algorithms, and/or has population frequency not consistent with disease.

Illumina Laboratory Services, Illumina
Classification: Benign for Primary dilated cardiomyopathy. Last evaluated: 2018-01-13. Review status: criteria provided, single submitter. Criteria: ICSL Variant Classification Criteria 13 December 2019. Collection method: clinical testing. Allele origin: germline.
Comment: This variant was observed in the ICSL laboratory as part of a predisposition screen in an ostensibly healthy population. It had not been previously curated by ICSL or reported in the Human Gene Mutation Database (HGMD: prior to June 1st, 2018), and was therefore a candidate for classification through an automated scoring system. Utilizing variant allele frequency, disease prevalence and penetrance estimates, and inheritance mode, an automated score was calculated to assess if this variant is too frequent to cause the disease. Based on the score and internal cut-off values, a variant classified as benign is not then subjected to further curation. The score for this variant resulted in a classification of benign for this disease.

Breakthrough Genomics
Classification: Benign. Review status: criteria provided, single submitter. Criteria: ACMG Guidelines, 2015. Collection method: not provided. Allele origin: germline. Inheritance: Unknown mechanism. Affected: yes.